The following is an entry in ClinVar:

NM_005263.5(GFI1):c.714G>T (p.Lys238Asn)

Gene: GFI1 (growth factor independent 1 transcriptional repressor; minus strand). Cytogenetic location: 1p22.1.
Variant type: single nucleotide variant.
Coding change: c.714G>T on transcript NM_005263.5 (MANE Select); coding-DNA position 714, G replaced by T.
Protein change: p.Lys238Asn; replaces lysine 238 with asparagine.
Molecular consequence: missense variant.
Genome position (GRCh38, 1-based): chr1:92,480,673, C>A on the plus strand (G>T on the coding strand, the complement: GFI1 is on the minus strand). VCF-style: chr1-92480673-C-A. GRCh37 (hg19) VCF-style: chr1-92946230-C-A.
Other names: c.714G>T, p.Lys238Asn (NM_001127215.3, NM_001127216.3); c.714G>T (NM_005263.3); short protein forms K238N.
Identifiers: ClinVar variation 1430464 (VCV001430464.9), dbSNP rs1337988180, ClinGen allele CA341149182.

ClinVar aggregate classification (germline): Uncertain significance. Review status: criteria provided, multiple submitters, no conflicts (2 of 4 stars). 2 submissions from 2 submitters: Uncertain significance (2). Last evaluated 2025-07-29.

Conditions:
Neutropenia, severe congenital, 2, autosomal dominant. Identifiers: Orphanet 486, MedGen C2751288, MONDO:0013139, OMIM 613107.

Allele frequency attached by ClinVar (database versions not stated): gnomAD exomes 0.00001.
gnomAD v4.1: 18 of 1,596,306 alleles (0.0011%); highest among the groups gnomAD compares: Non-Finnish European, 0.0015%; no homozygotes.

Submissions (2):

Labcorp Genetics (formerly Invitae), Labcorp
Classification: Uncertain significance for Neutropenia, severe congenital, 2, autosomal dominant. Last evaluated: 2025-07-29. Review status: criteria provided, single submitter. Criteria: Invitae Variant Classification Sherloc (09022015). Collection method: clinical testing. Allele origin: germline.
Comment: This sequence change replaces lysine, which is basic and polar, with asparagine, which is neutral and polar, at codon 238 of the GFI1 protein (p.Lys238Asn). The frequency data for this variant in the population databases is considered unreliable, as metrics indicate poor data quality at this position in the gnomAD database. This variant has not been reported in the literature in individuals affected with GFI1-related conditions. ClinVar contains an entry for this variant (Variation ID: 1430464). Invitae Evidence Modeling of protein sequence and biophysical properties (such as structural, functional, and spatial information, amino acid conservation, physicochemical variation, residue mobility, and thermodynamic stability) indicates that this missense variant is not expected to disrupt GFI1 protein function with a negative predictive value of 80%. In summary, the available evidence is currently insufficient to determine the role of this variant in disease. Therefore, it has been classified as a Variant of Uncertain Significance.

Ambry Genetics
Classification: Uncertain significance. Last evaluated: 2024-11-30. Review status: criteria provided, single submitter. Criteria: Ambry Variant Classification Scheme 2023. Collection method: clinical testing. Allele origin: germline.
Comment: The p.K238N variant (also known as c.714G>T), located in coding exon 3 of the GFI1 gene, results from a G to T substitution at nucleotide position 714. The lysine at codon 238 is replaced by asparagine, an amino acid with similar properties. This amino acid position is conserved. In addition, this alteration is predicted to be tolerated by in silico analysis. Based on the available evidence, the clinical significance of this variant remains unclear.